The following is an entry in ClinVar:

NM_000271.5(NPC1):c.239_258del (p.Leu80fs)

Gene: NPC1 (NPC intracellular cholesterol transporter 1; minus strand). Cytogenetic location: 18q11.2.
Variant type: Deletion.
Coding change: c.239_258del on transcript NM_000271.5 (MANE Select); coding-DNA positions 239 to 258, 20 bases deleted (TTCAGACACTAAAAGACAAC).
Protein change: p.Leu80fs; shifts the reading frame from leucine 80.
Molecular consequence: frameshift variant.
Genome position (GRCh38, 1-based): chr18:23,572,103-23,572,122, GTTGTCTTTTAGTGTCTGAA deleted on the plus strand (TTCAGACACTAAAAGACAAC on the coding strand, the reverse complement: NPC1 is on the minus strand); deleting any 20 consecutive bases within chr18:23,572,103-23,572,123 gives the same sequence; the c. name uses the placement nearest the transcript's 3' end. VCF-style (leftmost placement, unchanged base first): chr18-23572102-GGTTGTCTTTTAGTGTCTGAA-G. GRCh37 (hg19) VCF-style: chr18-21152066-GGTTGTCTTTTAGTGTCTGAA-G.
Other names: short protein forms L80fs.
Identifiers: ClinVar variation 2857827 (VCV002857827.3), dbSNP rs2511352293, ClinGen allele CA2739268615.

ClinVar aggregate classification (germline): Pathogenic (1 of 4 stars; one submission).

Conditions:
Niemann-Pick disease, type C1. Also called: NEUROVISCERAL STORAGE DISEASE WITH VERTICAL SUPRANUCLEAR OPHTHALMOPLEGIA; NIEMANN-PICK DISEASE WITH CHOLESTEROL ESTERIFICATION BLOCK; NIEMANN-PICK DISEASE WITHOUT SPHINGOMYELINASE DEFICIENCY; NIEMANN-PICK DISEASE, CHRONIC NEURONOPATHIC FORM; NIEMANN-PICK DISEASE, VARIANT TYPE C1. Identifiers: Orphanet 646, MedGen C3179455, MONDO:0009757, OMIM 257220.

Submission:

Labcorp Genetics (formerly Invitae), Labcorp
Classification: Pathogenic for Niemann-Pick disease, type C1. Last evaluated: 2023-04-20. Review status: criteria provided, single submitter. Criteria: Invitae Variant Classification Sherloc (09022015). Collection method: clinical testing. Allele origin: germline.
Comment: This variant has not been reported in the literature in individuals affected with NPC1-related conditions. For these reasons, this variant has been classified as Pathogenic. This sequence change creates a premature translational stop signal (p.Leu80Profs*17) in the NPC1 gene. It is expected to result in an absent or disrupted protein product. Loss-of-function variants in NPC1 are known to be pathogenic (PMID: 9211850). This variant is not present in population databases (gnomAD no frequency).

Literature cited by the submitters: PubMed 9211850.